The following is an entry in ClinVar:

ClinVar aggregate classification (germline): Uncertain significance. Review status: criteria provided, multiple submitters, no conflicts (2 of 4 stars). 4 submissions from 3 submitters: Uncertain significance (4). Last evaluated 2024-07-22.

Conditions:
ALS2-related disorder. Also called: ALS2-related condition; ALS2-related disorders; ALS2-Related Spectrum Disorders. Identifiers: MedGen CN169291.
Infantile-onset ascending hereditary spastic paralysis (IAHSP). Also called: Autosomal Recessive Juvenile Amyotrophic Lateral Sclerosis; Infantile-Onset Ascending Hereditary Spastic Paralysis (IAHSP). Identifiers: Orphanet 293168, MedGen C2931441, MONDO:0011797, OMIM 607225. Disease mechanism: loss of function.
Amyotrophic lateral sclerosis type 2, juvenile. Also called: ALS, JUVENILE; Amyotrophic lateral sclerosis type 2. Identifiers: Orphanet 300605, MedGen C1859807, MONDO:0008780, OMIM 205100.

Allele frequency attached by ClinVar (database versions not stated): gnomAD 0.00001 and 0.00002; TOPMed 0.00001; gnomAD exomes 0.00003 and 0.00006; ExAC 0.00006; 1000 Genomes Project 30x 0.00016; 1000 Genomes Project 0.00020.
gnomAD v4.1: 51 of 1,613,752 alleles (0.0032%); highest among the groups gnomAD compares: East Asian, 0.11%; no homozygotes.

Submissions (4):

Mayo Clinic Laboratories, Mayo Clinic
Classification: Uncertain significance. Last evaluated: 2024-07-22. Review status: criteria provided, single submitter. Criteria: ACMG Guidelines, 2015. Collection method: clinical testing. Allele origin: germline. Observed: 1 variant allele.
Comment: BP4_moderate

Labcorp Genetics (formerly Invitae), Labcorp
Classification: Uncertain significance for Infantile-onset ascending hereditary spastic paralysis. Last evaluated: 2021-09-01. Review status: criteria provided, single submitter. Criteria: Invitae Variant Classification Sherloc (09022015). Collection method: clinical testing. Allele origin: germline.
Comment: This sequence change replaces alanine with threonine at codon 391 of the ALS2 protein (p.Ala391Thr). The alanine residue is moderately conserved and there is a small physicochemical difference between alanine and threonine. This variant is present in population databases (rs41308816, ExAC 0.08%). This variant has not been reported in the literature in individuals affected with ALS2-related conditions. Algorithms developed to predict the effect of missense changes on protein structure and function are either unavailable or do not agree on the potential impact of this missense change (SIFT: "Deleterious"; PolyPhen-2: "Benign"; Align-GVGD: "Class C0"). In summary, the available evidence is currently insufficient to determine the role of this variant in disease. Therefore, it has been classified as a Variant of Uncertain Significance.

Illumina Laboratory Services, Illumina
Classification: Uncertain significance for Amyotrophic lateral sclerosis type 2. Last evaluated: 2018-01-13. Review status: criteria provided, single submitter. Criteria: ICSL Variant Classification Criteria 13 December 2019. Collection method: clinical testing. Allele origin: germline.

Illumina Laboratory Services, Illumina
Classification: Uncertain significance for ALS2-Related Disorders. Last evaluated: 2018-01-13. Review status: criteria provided, single submitter. Criteria: ICSL Variant Classification Criteria 13 December 2019. Collection method: clinical testing. Allele origin: germline.

NM_020919.4(ALS2):c.1171G>A (p.Ala391Thr)

Gene: ALS2 (alsin Rho guanine nucleotide exchange factor ALS2; minus strand). Cytogenetic location: 2q33.1.
Variant type: single nucleotide variant.
Coding change: c.1171G>A on transcript NM_020919.4 (MANE Select); coding-DNA position 1171, G replaced by A.
Protein change: p.Ala391Thr; replaces alanine 391 with threonine.
Molecular consequence: missense variant.
Genome position (GRCh38, 1-based): chr2:201,757,702, C>T on the plus strand (G>A on the coding strand, the complement: ALS2 is on the minus strand). VCF-style: chr2-201757702-C-T. GRCh37 (hg19) VCF-style: chr2-202622425-C-T.
Other names: p.Ala391Thr; short protein forms A391T.
Identifiers: ClinVar variation 465179 (VCV000465179.10), dbSNP rs41308816, ClinGen allele CA2058502.